The following is an entry in ClinVar:

NM_033004.4(NLRP1):c.1490A>G (p.Glu497Gly)

Gene: NLRP1 (NLR family pyrin domain containing 1; minus strand). Cytogenetic location: 17p13.2.
Variant type: single nucleotide variant.
Coding change: c.1490A>G on transcript NM_033004.4 (MANE Select); coding-DNA position 1490, A replaced by G.
Protein change: p.Glu497Gly; replaces glutamic acid 497 with glycine.
Molecular consequence: missense variant.
Genome position (GRCh38, 1-based): chr17:5,559,206, T>C on the plus strand (A>G on the coding strand, the complement: NLRP1 is on the minus strand). VCF-style: chr17-5559206-T-C. GRCh37 (hg19) VCF-style: chr17-5462526-T-C.
Other names: c.1490A>G, p.Glu497Gly (NM_033006.4, NM_033007.4, NM_001033053.3 and 1 more transcripts); short protein forms E497G.
Identifiers: ClinVar variation 2849908 (VCV002849908.3), dbSNP rs2507939018, ClinGen allele CA397385683.

ClinVar aggregate classification (germline): Uncertain significance (1 of 4 stars; one submission).

Submission:

Labcorp Genetics (formerly Invitae), Labcorp
Classification: Uncertain significance. Last evaluated: 2023-03-26. Review status: criteria provided, single submitter. Criteria: Invitae Variant Classification Sherloc (09022015). Collection method: clinical testing. Allele origin: germline.
Comment: This sequence change replaces glutamic acid, which is acidic and polar, with glycine, which is neutral and non-polar, at codon 497 of the NLRP1 protein (p.Glu497Gly). This variant is not present in population databases (gnomAD no frequency). This variant has not been reported in the literature in individuals affected with NLRP1-related conditions. An algorithm developed to predict the effect of missense changes on protein structure and function (PolyPhen-2) suggests that this variant is likely to be disruptive. In summary, the available evidence is currently insufficient to determine the role of this variant in disease. Therefore, it has been classified as a Variant of Uncertain Significance.